The following is an entry in ClinVar:

NM_001321120.2(TBX4):c.1113C>G (p.Pro371=)

Gene: TBX4 (T-box transcription factor 4; plus strand). Cytogenetic location: 17q23.2.
Variant type: single nucleotide variant.
Coding change: c.1113C>G on transcript NM_001321120.2 (MANE Select); coding-DNA position 1113, C replaced by G.
Protein change: p.Pro371=; no amino-acid change (proline 371 retained).
Molecular consequence: synonymous variant.
Genome position (GRCh38, 1-based): chr17:61,482,988, C>G. VCF-style: chr17-61482988-C-G. GRCh37 (hg19) VCF-style: chr17-59560349-C-G.
Other names: c.1110C>G, p.Pro370= (NM_018488.3).
Identifiers: ClinVar variation 718370 (VCV000718370.23), dbSNP rs140385970, ClinGen allele CA8690028.

ClinVar aggregate classification (germline): Benign/Likely benign. Review status: criteria provided, multiple submitters, no conflicts (2 of 4 stars). 4 submissions from 4 submitters: Benign (1); Likely benign (3). Last evaluated 2025-12-01.

Conditions:
Coxopodopatellar syndrome. Also called: ISCHIOPATELLAR DYSPLASIA; ISCHIOCOXOPODOPATELLAR SYNDROME WITH OR WITHOUT PULMONARY ARTERIAL HYPERTENSION; Small patella syndrome; Congenital coxa vara, patella aplasia and tarsal synostosis; SCOTT-TAOR SYNDROME; ISCHIOCOXOPODOPATELLAR SYNDROME. Identifiers: Orphanet 1509, MedGen C1840061, MONDO:0007841, OMIM 147891.

Allele frequency attached by ClinVar (database versions not stated): TOPMed 0.00014; 1000 Genomes Project 30x 0.00016; ESP Exome Variant Server 0.00023.
gnomAD v4.1: 451 of 1,614,076 alleles (0.028%); highest among the groups gnomAD compares: Middle Eastern, 0.21%; 1 homozygote.

Submissions (4):

CeGaT Center for Human Genetics Tuebingen
Classification: Likely benign. Last evaluated: 2025-12-01. Review status: criteria provided, single submitter. Criteria: CeGaT Center For Human Genetics Tuebingen Variant Classification Criteria Version 2. Collection method: clinical testing. Allele origin: germline. Affected: yes. Observed: 1 variant allele.
Comment: TBX4: BP4, BP7

Labcorp Genetics (formerly Invitae), Labcorp
Classification: Likely benign. Last evaluated: 2025-04-27. Review status: criteria provided, single submitter. Criteria: Invitae Variant Classification Sherloc (09022015). Collection method: clinical testing. Allele origin: germline.

Blueprint Genetics
Classification: Likely benign. Last evaluated: 2024-11-22. Review status: criteria provided, single submitter. Criteria: ACMG Guidelines, 2015. Collection method: clinical testing. Allele origin: germline.

Illumina Laboratory Services, Illumina
Classification: Benign for Coxopodopatellar syndrome. Last evaluated: 2018-01-12. Review status: criteria provided, single submitter. Criteria: ICSL Variant Classification Criteria 13 December 2019. Collection method: clinical testing. Allele origin: germline.
Comment: This variant was observed in the ICSL laboratory as part of a predisposition screen in an ostensibly healthy population. It had not been previously curated by ICSL or reported in the Human Gene Mutation Database (HGMD: prior to June 1st, 2018), and was therefore a candidate for classification through an automated scoring system. Utilizing variant allele frequency, disease prevalence and penetrance estimates, and inheritance mode, an automated score was calculated to assess if this variant is too frequent to cause the disease. Based on the score and internal cut-off values, a variant classified as benign is not then subjected to further curation. The score for this variant resulted in a classification of benign for this disease.